The following is an entry in ClinVar:

ClinVar aggregate classification (germline): Benign. Review status: criteria provided, multiple submitters, no conflicts (2 of 4 stars). 3 submissions from 3 submitters: Benign (3). Last evaluated 2024-01-24.

Allele frequency attached by ClinVar (database versions not stated): TOPMed 0.19805; gnomAD 0.20460 and 0.20797; 1000 Genomes Project 30x 0.18285; 1000 Genomes Project 0.18750.
gnomAD v4.1: 221,153 of 880,292 alleles (25%); highest among the groups gnomAD compares: Admixed American, 30%; 30,123 homozygotes.

Submissions (3):

Unidad de Genómica Garrahan, Hospital de Pediatría Garrahan
Classification: Benign. Last evaluated: 2024-01-24. Review status: criteria provided, single submitter. Criteria: ACMG Guidelines, 2015. Collection method: clinical testing. Allele origin: germline. Affected: no. Observed: 38 variant alleles.
Comment: This variant is classified as Benign based on local population frequency. This variant was detected in 43% of patients studied by a panel of primary immunodeficiencies. Number of patients: 38. Only high quality variants are reported.

GeneDx
Classification: Benign. Last evaluated: 2021-05-12. Review status: criteria provided, single submitter. Criteria: GeneDx Variant Classification Process June 2021. Collection method: clinical testing. Allele origin: germline. Affected: yes.

Breakthrough Genomics
Classification: Benign. Review status: criteria provided, single submitter. Criteria: ACMG Guidelines, 2015. Collection method: not provided. Allele origin: germline. Inheritance: Autosomal recessive inheritance. Affected: yes.

NM_173841.3(IL1RN):c.11-105G>C

Gene: IL1RN (interleukin 1 receptor antagonist; plus strand). Cytogenetic location: 2q14.1.
Variant type: single nucleotide variant.
Coding change: c.11-105G>C on transcript NM_173841.3; 105 bases into the intron before coding-DNA position 11, G replaced by C.
Molecular consequence: intron variant.
Genome position (GRCh38, 1-based): chr2:113,119,961, G>C. VCF-style: chr2-113119961-G-C. GRCh37 (hg19) VCF-style: chr2-113877538-G-C.
Other names: c.-272-105G>C (NM_001318914.2); c.-209-1487G>C (NM_173843.3); c.10+1933G>C (NM_000577.5).
Identifiers: ClinVar variation 1241633 (VCV001241633.7), dbSNP rs4251986, ClinGen allele CA11025316.